The following is an entry in ClinVar:

NM_198060.4(NRAP):c.3163G>A (p.Ala1055Thr)

Gene: NRAP (nebulin related anchoring protein; minus strand). Cytogenetic location: 10q25.3.
Variant type: single nucleotide variant.
Coding change: c.3163G>A on transcript NM_198060.4 (MANE Select); coding-DNA position 3163, G replaced by A.
Protein change: p.Ala1055Thr; replaces alanine 1055 with threonine.
Molecular consequence: missense variant.
Genome position (GRCh38, 1-based): chr10:113,614,862, C>T on the plus strand (G>A on the coding strand, the complement: NRAP is on the minus strand). VCF-style: chr10-113614862-C-T. GRCh37 (hg19) VCF-style: chr10-115374621-C-T.
Other names: c.3163G>A, p.Ala1055Thr (NM_001261463.2); c.3055G>A, p.Ala1019Thr (NM_001322945.2); c.3058G>A, p.Ala1020Thr (NM_006175.5); c.3163G>A (NM_198060.3); short protein forms A1019T, A1055T, A1020T.
Identifiers: ClinVar variation 785811 (VCV000785811.31), dbSNP rs139118719, ClinGen allele CA5694894.

ClinVar aggregate classification (germline): Likely benign. Review status: criteria provided, multiple submitters, no conflicts (2 of 4 stars). 6 submissions from 6 submitters: Likely benign (5). 1 of the submissions does not count toward it. Last evaluated 2025-08-18.

Conditions:
NRAP-related disorder. Also called: NRAP-related condition.

Allele frequency attached by ClinVar (database versions not stated): 1000 Genomes Project 0.00280; 1000 Genomes Project 30x 0.00312; gnomAD 0.00447; ESP Exome Variant Server 0.00500; TOPMed 0.00537.
gnomAD v4.1: 9,662 of 1,608,022 alleles (0.6%); highest among the groups gnomAD compares: Middle Eastern, 1.2%; 34 homozygotes.

Submissions (6):

Genomic Medicine Center of Excellence, King Faisal Specialist Hospital and Research Centre
Classification: Likely benign. Last evaluated: 2025-08-18. Review status: criteria provided, single submitter. Criteria: ACMG Guidelines, 2015. Collection method: clinical testing. Allele origin: germline.

Molecular Diagnostic Laboratory for Inherited Cardiovascular Disease, Montreal Heart Institute
Classification: Likely benign. Last evaluated: 2025-04-09. Review status: criteria provided, single submitter. Criteria: ACMG Guidelines, 2015. Collection method: clinical testing. Allele origin: germline. Affected: no.
Comment: BP4, BP6

CeGaT Center for Human Genetics Tuebingen
Classification: Likely benign. Last evaluated: 2022-11-01. Review status: criteria provided, single submitter. Criteria: CeGaT Center For Human Genetics Tuebingen Variant Classification Criteria Version 2. Collection method: clinical testing. Allele origin: germline. Affected: yes. Observed: 1 variant allele.
Comment: NRAP: BP4, BS2

Labcorp Genetics (formerly Invitae), Labcorp
Classification: Likely benign. Last evaluated: 2017-09-29. Review status: criteria provided, single submitter. Criteria: Invitae Variant Classification Sherloc (09022015). Collection method: clinical testing. Allele origin: germline.

Breakthrough Genomics
Classification: Likely benign. Review status: criteria provided, single submitter. Criteria: ACMG Guidelines, 2015. Collection method: not provided. Allele origin: germline. Inheritance: Unknown mechanism. Affected: yes.

PreventionGenetics, part of Exact Sciences
Classification: Benign for NRAP-related condition. Last evaluated: 2019-03-21. Review status: no assertion criteria provided. Collection method: clinical testing. Allele origin: germline. Not counted in ClinVar's aggregate classification.
Comment: This variant is classified as benign based on ACMG/AMP sequence variant interpretation guidelines (Richards et al. 2015 PMID: 25741868, with internal and published modifications).